The following is an entry in ClinVar:

ClinVar aggregate classification (germline): Uncertain significance (1 of 4 stars; one submission).

gnomAD v4.1: 1 of 1,613,458 alleles (0.000062%); highest among the groups gnomAD compares: Non-Finnish European, 0.000085%; no homozygotes.

Submission:

Ambry Genetics
Classification: Uncertain significance. Last evaluated: 2026-09-13. Review status: criteria provided, single submitter. Criteria: Ambry Variant Classification Scheme 2023. Collection method: clinical testing. Allele origin: germline.
Comment: The p.V613A variant (also known as c.1838T>C), located in coding exon 10 of the PKP4 gene, results from a T to C substitution at nucleotide position 1838. The valine at codon 613 is replaced by alanine, an amino acid with similar properties. This amino acid position is conserved. In addition, this alteration is predicted to be tolerated by in silico analysis. Based on the available evidence, the clinical significance of this variant remains unclear.

NM_003628.6(PKP4):c.1838T>C (p.Val613Ala)

Gene: PKP4 (plakophilin 4; plus strand). Cytogenetic location: 2q24.1.
Variant type: single nucleotide variant.
Coding change: c.1838T>C on transcript NM_003628.6 (MANE Select); coding-DNA position 1838, T replaced by C.
Protein change: p.Val613Ala; replaces valine 613 with alanine.
Molecular consequence: missense variant.
Genome position (GRCh38, 1-based): chr2:158,642,628, T>C. VCF-style: chr2-158642628-T-C. GRCh37 (hg19) VCF-style: chr2-159499140-T-C.
Other names: c.1838T>C, p.Val613Ala (NM_001005476.4, NM_001304971.2, NM_001377218.1 and 1 more transcripts); c.1835T>C, p.Val612Ala (NM_001304969.3, NM_001377219.1, NM_001377220.1 and 2 more transcripts); c.809T>C, p.Val270Ala (NM_001304970.3); c.1832T>C, p.Val611Ala (NM_001377222.1, NM_001377223.1); c.1829T>C, p.Val610Ala (NM_001377224.1); short protein forms V610A, V611A, V613A, V270A, V612A.
Identifiers: ClinVar variation 5026795 (VCV005026795.1).
Genomic context (GRCh38, chr2:158,642,628, plus strand): 5'-CCCTTCGAAACCTCGTTTTTGGCAAGTCTACAGATGAAAATAAAATAGCAATGAAGAATG[T>C]TGGTGGGATACCTGCCTTGTTGCGACTGTTGAGAAAATCTATTGATGCAGAAGTAAGGGA-3'
Protein context (NP_003619.2, residues 603-623): TDENKIAMKN[Val613Ala]GGIPALLRLL